The following is an entry in ClinVar:

NM_001142800.2(EYS):c.2948A>T (p.Tyr983Phe)

Gene: EYS (EGF-like photoreceptor maintenance factor; minus strand). Cytogenetic location: 6q12.
Variant type: single nucleotide variant.
Coding change: c.2948A>T on transcript NM_001142800.2 (MANE Select); coding-DNA position 2948, A replaced by T.
Protein change: p.Tyr983Phe; replaces tyrosine 983 with phenylalanine.
Molecular consequence: missense variant.
Genome position (GRCh38, 1-based): chr6:64,886,741, T>A on the plus strand (A>T on the coding strand, the complement: EYS is on the minus strand). VCF-style: chr6-64886741-T-A. GRCh37 (hg19) VCF-style: chr6-65596634-T-A.
Other names: c.2948A>T, p.Tyr983Phe (NM_001292009.2); short protein forms Y983F.
Identifiers: ClinVar variation 970855 (VCV000970855.8), dbSNP rs954643162, ClinGen allele CA140377016.

ClinVar aggregate classification (germline): Uncertain significance. Review status: criteria provided, multiple submitters, no conflicts (2 of 4 stars). 2 submissions from 2 submitters: Uncertain significance (2). Last evaluated 2022-08-16.

Allele frequency attached by ClinVar (database versions not stated): gnomAD exomes below 0.00001; TOPMed 0.00002; gnomAD 0.00005.
gnomAD v4.1: 12 of 1,547,790 alleles (0.00078%); highest among the groups gnomAD compares: Middle Eastern, 0.017%; no homozygotes.

Submissions (2):

Labcorp Genetics (formerly Invitae), Labcorp
Classification: Uncertain significance. Last evaluated: 2022-08-16. Review status: criteria provided, single submitter. Criteria: Invitae Variant Classification Sherloc (09022015). Collection method: clinical testing. Allele origin: germline.
Comment: This sequence change replaces tyrosine, which is neutral and polar, with phenylalanine, which is neutral and non-polar, at codon 983 of the EYS protein (p.Tyr983Phe). This variant is present in population databases (no rsID available, gnomAD 0.02%). This variant has not been reported in the literature in individuals affected with EYS-related conditions. ClinVar contains an entry for this variant (Variation ID: 970855). Algorithms developed to predict the effect of missense changes on protein structure and function (SIFT, PolyPhen-2, Align-GVGD) all suggest that this variant is likely to be tolerated. In summary, the available evidence is currently insufficient to determine the role of this variant in disease. Therefore, it has been classified as a Variant of Uncertain Significance.

Blueprint Genetics
Classification: Uncertain significance. Last evaluated: 2020-05-27. Review status: criteria provided, single submitter. Criteria: ACMG Guidelines, 2015. Collection method: clinical testing. Allele origin: germline.